The following is an entry in ClinVar:

ClinVar aggregate classification (germline): Uncertain significance. Review status: criteria provided, multiple submitters, no conflicts (2 of 4 stars). 6 submissions from 6 submitters: Uncertain significance (6). Last evaluated 2025-09-28.

Conditions:
MSH6-related disorder. Also called: MSH6-related condition; MSH6-Related disorders.
Hereditary nonpolyposis colorectal neoplasms. Identifiers: MedGen C0009405, MeSH D003123.
Hereditary cancer-predisposing syndrome. Also called: Neoplastic Syndromes, Hereditary; Hereditary neoplastic syndrome; Hereditary Cancer Syndrome; Tumor predisposition. Identifiers: Orphanet 140162, MedGen C0027672, MeSH D009386, MONDO:0015356.
Lynch syndrome. Identifiers: Orphanet 144, MedGen C4552100, MONDO:0005835. Disease mechanism: loss of function.
Endometrial carcinoma. Also called: Endometrial carcinoma, somatic. Identifiers: MedGen C0476089, MONDO:0002447, OMIM 608089, HP:0012114.

Allele frequency attached by ClinVar (database versions not stated): gnomAD exomes below 0.00001; TOPMed 0.00001; ESP Exome Variant Server 0.00008.
gnomAD v4.1: 7 of 1,614,068 alleles (0.00043%); highest among the groups gnomAD compares: Non-Finnish European, 0.00059%; no homozygotes.

Submissions (6):

Ambry Genetics
Classification: Uncertain significance for Hereditary cancer-predisposing syndrome. Last evaluated: 2025-09-28. Review status: criteria provided, single submitter. Criteria: Ambry Variant Classification Scheme 2023. Collection method: clinical testing. Allele origin: germline.
Comment: The p.L815I variant (also known as c.2443C>A), located in coding exon 4 of the MSH6 gene, results from a C to A substitution at nucleotide position 2443. The leucine at codon 815 is replaced by isoleucine, an amino acid with highly similar properties. This alteration was observed in the TCGA colorectal adenocarcinoma data set, which was used to represent sporadic cancer in a study of patients with wild-type PTEN who met at least the relaxed diagnostic criteria of the International Cowden Consortium (Lee YR et al. N Engl J Med, 2020 May;382:2103-2116). This amino acid position is well conserved in available vertebrate species. In addition, the in silico prediction for this alteration is inconclusive. Since supporting evidence is limited at this time, the clinical significance of this alteration remains unclear.

PreventionGenetics, part of Exact Sciences
Classification: Uncertain significance for MSH6-related condition. Last evaluated: 2025-06-16. Review status: criteria provided, single submitter. Criteria: ACMG Guidelines, 2015. Collection method: clinical testing. Allele origin: germline.
Comment: The MSH6 c.2443C>A variant is predicted to result in the amino acid substitution p.Leu815Ile. To our knowledge, this variant has not been reported in the literature or in a large population database (gnomAD), indicating this variant is rare. Multiple laboratories interpret this variant as uncertain in ClinVar (ClinVar ID: 237157). An alternate missense change at this amino acid position, described as p.L815F, has been reported as a germline variant of uncertain significance in association with breast cancer (SampleName RZA06810 in Supplementary data 1, Hu et al. 2022. PubMed ID: 35449176). At this time, the clinical significance of the c.2443C>A (p.Leu815Ile) variant is uncertain due to the absence of conclusive functional and genetic evidence.

Color Diagnostics, LLC DBA Color Health
Classification: Uncertain significance for Hereditary cancer-predisposing syndrome. Last evaluated: 2025-03-25. Review status: criteria provided, single submitter. Criteria: ACMG Guidelines, 2015. Collection method: clinical testing. Allele origin: germline.
Comment: This missense variant replaces leucine with isoleucine at codon 815 of the MSH6 protein. Computational prediction is inconclusive regarding the impact of this variant on protein structure and function. To our knowledge, functional studies have not been reported for this variant. This variant has not been reported in individuals affected with MSH6-related disorders in the literature. This variant has not been identified in the general population by the Genome Aggregation Database (gnomAD). The available evidence is insufficient to determine the role of this variant in disease conclusively. Therefore, this variant is classified as a Variant of Uncertain Significance.

Labcorp Genetics (formerly Invitae), Labcorp
Classification: Uncertain significance for Hereditary nonpolyposis colorectal neoplasms. Last evaluated: 2024-04-30. Review status: criteria provided, single submitter. Criteria: Invitae Variant Classification Sherloc (09022015). Collection method: clinical testing. Allele origin: germline.
Comment: This sequence change replaces leucine, which is neutral and non-polar, with isoleucine, which is neutral and non-polar, at codon 815 of the MSH6 protein (p.Leu815Ile). This variant is not present in population databases (gnomAD no frequency). This variant has not been reported in the literature in individuals affected with MSH6-related conditions. ClinVar contains an entry for this variant (Variation ID: 237157). Advanced modeling of protein sequence and biophysical properties (such as structural, functional, and spatial information, amino acid conservation, physicochemical variation, residue mobility, and thermodynamic stability) performed at Invitae indicates that this missense variant is not expected to disrupt MSH6 protein function with a negative predictive value of 95%. In summary, the available evidence is currently insufficient to determine the role of this variant in disease. Therefore, it has been classified as a Variant of Uncertain Significance.

All of Us Research Program, National Institutes of Health
Classification: Uncertain significance for Lynch syndrome. Last evaluated: 2023-10-23. Review status: criteria provided, single submitter. Criteria: ACMG Guidelines, 2015. Collection method: clinical testing. Allele origin: germline. Inheritance: Autosomal dominant inheritance. Observed: 2 variant alleles, 2 heterozygotes.
Comment: This missense variant replaces leucine with isoleucine at codon 815 of the MSH6 protein. Computational prediction is inconclusive regarding the impact of this variant on protein structure and function (internally defined REVEL score threshold 0.5 < inconclusive < 0.7, PMID: 27666373). To our knowledge, functional studies have not been reported for this variant. This variant has not been reported in individuals affected with MSH6-related disorders in the literature. This variant has not been identified in the general population by the Genome Aggregation Database (gnomAD). The available evidence is insufficient to determine the role of this variant in disease conclusively. Therefore, this variant is classified as a Variant of Uncertain Significance.

This study involves interpretation of variants in research participants for the purpose of population health screening. Participant phenotype was not available at the time of variant classification. Additional details can be found in publication PMID: 35346344, PMCID: PMC8962531

Baylor Genetics
Classification: Uncertain significance for Endometrial carcinoma. Last evaluated: 2023-09-13. Review status: criteria provided, single submitter. Criteria: ACMG Guidelines, 2015. Collection method: clinical testing. Allele origin: unknown.

Literature cited by the submitters: PubMed 32459922 (cited by Ambry Genetics).

NM_000179.3(MSH6):c.2443C>A (p.Leu815Ile)

Gene: MSH6 (mutS homolog 6; plus strand). Cytogenetic location: 2p16.3.
Variant type: single nucleotide variant.
Coding change: c.2443C>A on transcript NM_000179.3 (MANE Select); coding-DNA position 2443, C replaced by A.
Protein change: p.Leu815Ile; replaces leucine 815 with isoleucine.
Molecular consequence: missense variant.
Genome position (GRCh38, 1-based): chr2:47,800,426, C>A. VCF-style: chr2-47800426-C-A. GRCh37 (hg19) VCF-style: chr2-48027565-C-A.
Other names: c.2053C>A, p.Leu685Ile (NM_001281492.2); c.1537C>A, p.Leu513Ile (NM_001281493.2, NM_001281494.2); short protein forms L815I, L513I, L685I.
Identifiers: ClinVar variation 237157 (VCV000237157.18), dbSNP rs377411318, ClinGen allele CA10582062.